The following is an entry in ClinVar:

ClinVar aggregate classification (germline): Uncertain significance. Review status: criteria provided, multiple submitters, no conflicts (2 of 4 stars). 3 submissions from 3 submitters: Uncertain significance (3). Last evaluated 2025-04-18.

Conditions:
EAST syndrome (SESAMES). Also called: SEIZURES, SENSORINEURAL DEAFNESS, ATAXIA, IMPAIRED INTELLECTUAL DEVELOPMENT, AND ELECTROLYTE IMBALANCE. Identifiers: Orphanet 199343, MedGen C2748572, MONDO:0013005, OMIM 612780.

Allele frequency attached by ClinVar (database versions not stated): gnomAD exomes below 0.00001; TOPMed below 0.00001.
gnomAD v4.1: 2 of 1,614,196 alleles (0.00012%); highest among the groups gnomAD compares: African/African-American, 0.0013%; no homozygotes.

Submissions (3):

Labcorp Genetics (formerly Invitae), Labcorp
Classification: Uncertain significance for EAST syndrome. Last evaluated: 2025-04-18. Review status: criteria provided, single submitter. Criteria: Invitae Variant Classification Sherloc (09022015). Collection method: clinical testing. Allele origin: germline.
Comment: This sequence change replaces glutamic acid, which is acidic and polar, with lysine, which is basic and polar, at codon 42 of the KCNJ10 protein (p.Glu42Lys). This variant is not present in population databases (gnomAD no frequency). This variant has not been reported in the literature in individuals affected with KCNJ10-related conditions. ClinVar contains an entry for this variant (Variation ID: 195163). Invitae Evidence Modeling of protein sequence and biophysical properties (such as structural, functional, and spatial information, amino acid conservation, physicochemical variation, residue mobility, and thermodynamic stability) indicates that this missense variant is not expected to disrupt KCNJ10 protein function with a negative predictive value of 95%. In summary, the available evidence is currently insufficient to determine the role of this variant in disease. Therefore, it has been classified as a Variant of Uncertain Significance.

GeneDx
Classification: Uncertain significance. Last evaluated: 2019-04-18. Review status: criteria provided, single submitter. Criteria: GeneDx Variant Classification Process June 2021. Collection method: clinical testing. Allele origin: germline. Affected: yes.
Comment: Not observed in large population cohorts (Lek et al., 2016); In silico analysis, which includes protein predictors and evolutionary conservation, supports that this variant does not alter protein structure/function; Has not been previously published as pathogenic or benign to our knowledge

Eurofins Ntd Llc (ga)
Classification: Uncertain significance. Last evaluated: 2015-03-13. Review status: criteria provided, single submitter. Criteria: EGL Classification Definitions 2015. Collection method: clinical testing. Allele origin: germline. Observed: 1 variant allele, 1 heterozygote.

NM_002241.5(KCNJ10):c.124G>A (p.Glu42Lys)

Gene: KCNJ10 (potassium inwardly rectifying channel subfamily J member 10; minus strand). Cytogenetic location: 1q23.2.
Variant type: single nucleotide variant.
Coding change: c.124G>A on transcript NM_002241.5 (MANE Select); coding-DNA position 124, G replaced by A.
Protein change: p.Glu42Lys; replaces glutamic acid 42 with lysine.
Molecular consequence: missense variant.
Genome position (GRCh38, 1-based): chr1:160,042,409, C>T on the plus strand (G>A on the coding strand, the complement: KCNJ10 is on the minus strand). VCF-style: chr1-160042409-C-T. GRCh37 (hg19) VCF-style: chr1-160012199-C-T.
Other names: short protein forms E42K.
Identifiers: ClinVar variation 195163 (VCV000195163.9), dbSNP rs794727265, ClinGen allele CA241456.